The following is an entry in ClinVar:

ClinVar aggregate classification (germline): Uncertain significance. Review status: criteria provided, multiple submitters, no conflicts (2 of 4 stars). 2 submissions from 2 submitters: Uncertain significance (2). Last evaluated 2024-04-16.

Conditions:
Familial cancer of breast. Also called: Hereditary breast cancer; hereditary breast carcinoma; BREAST CANCER, FAMILIAL. Identifiers: Orphanet 227535, MedGen C0346153, MONDO:0016419, OMIM 114480. Disease mechanism: loss of function.
Hereditary cancer-predisposing syndrome. Also called: Tumor predisposition; Hereditary neoplastic syndrome; Hereditary Cancer Syndrome; Neoplastic Syndromes, Hereditary. Identifiers: Orphanet 140162, MedGen C0027672, MeSH D009386, MONDO:0015356.

Allele frequency attached by ClinVar (database versions not stated): gnomAD exomes below 0.00001.
gnomAD v4.1: 1 of 1,614,024 alleles (0.000062%); highest among the groups gnomAD compares: Non-Finnish European, 0.000085%; no homozygotes.

Submissions (2):

Labcorp Genetics (formerly Invitae), Labcorp
Classification: Uncertain significance for Familial cancer of breast. Last evaluated: 2024-04-16. Review status: criteria provided, single submitter. Criteria: Invitae Variant Classification Sherloc (09022015). Collection method: clinical testing. Allele origin: germline.
Comment: This sequence change replaces valine, which is neutral and non-polar, with alanine, which is neutral and non-polar, at codon 476 of the BARD1 protein (p.Val476Ala). This variant is not present in population databases (gnomAD no frequency). This variant has not been reported in the literature in individuals affected with BARD1-related conditions. ClinVar contains an entry for this variant (Variation ID: 1464584). An algorithm developed to predict the effect of missense changes on protein structure and function (PolyPhen-2) suggests that this variant is likely to be disruptive. In summary, the available evidence is currently insufficient to determine the role of this variant in disease. Therefore, it has been classified as a Variant of Uncertain Significance.

Ambry Genetics
Classification: Uncertain significance for Hereditary cancer-predisposing syndrome. Last evaluated: 2024-04-01. Review status: criteria provided, single submitter. Criteria: Ambry Variant Classification Scheme 2023. Collection method: clinical testing. Allele origin: germline.
Comment: The p.V476A variant (also known as c.1427T>C), located in coding exon 6 of the BARD1 gene, results from a T to C substitution at nucleotide position 1427. The valine at codon 476 is replaced by alanine, an amino acid with similar properties. This amino acid position is conserved. In addition, the in silico prediction for this alteration is inconclusive. Based on the available evidence, the clinical significance of this alteration remains unclear.

NM_000465.4(BARD1):c.1427T>C (p.Val476Ala)

Gene: BARD1 (BRCA1 associated RING domain 1; minus strand). Cytogenetic location: 2q35.
Variant type: single nucleotide variant.
Coding change: c.1427T>C on transcript NM_000465.4 (MANE Select); coding-DNA position 1427, T replaced by C.
Protein change: p.Val476Ala; replaces valine 476 with alanine.
Molecular consequence: missense variant. On other transcripts: non-coding transcript variant (3), intron variant (3).
Genome position (GRCh38, 1-based): chr2:214,767,623, A>G on the plus strand (T>C on the coding strand, the complement: BARD1 is on the minus strand). VCF-style: chr2-214767623-A-G. GRCh37 (hg19) VCF-style: chr2-215632347-A-G.
Other names: c.1427T>C (NM_000465.2); c.1370T>C, p.Val457Ala (NM_001282543.2); c.159-15068T>C (NM_001282548.2); c.216-15068T>C (NM_001282545.2); c.364+24674T>C (NM_001282549.2); short protein forms V476A, V457A.
Identifiers: ClinVar variation 1464584 (VCV001464584.8), dbSNP rs2106077102, ClinGen allele CA350448646.